The following is an entry in ClinVar:

ClinVar aggregate classification (germline): Uncertain significance. Review status: criteria provided, multiple submitters, no conflicts (2 of 4 stars). 2 submissions from 2 submitters: Uncertain significance (2). Last evaluated 2025-12-08.

Conditions:
Retinitis pigmentosa 40 (RP40). Identifiers: Orphanet 791, MedGen C3151107, MONDO:0013429, OMIM 613801.

Allele frequency attached by ClinVar (database versions not stated): gnomAD exomes below 0.00001.
gnomAD v4.1: 1 of 1,613,556 alleles (0.000062%); highest among the groups gnomAD compares: Non-Finnish European, 0.000085%; no homozygotes.

Submissions (2):

Institute of Medical Genetics and Applied Genomics, University Hospital Tübingen
Classification: Uncertain significance for Retinitis pigmentosa 40. Last evaluated: 2025-12-08. Review status: criteria provided, single submitter. Criteria: ACMG Guidelines, 2015. Collection method: clinical testing. Allele origin: germline. Inheritance: Autosomal recessive inheritance. Affected: yes.

Labcorp Genetics (formerly Invitae), Labcorp
Classification: Uncertain significance. Last evaluated: 2023-06-20. Review status: criteria provided, single submitter. Criteria: Invitae Variant Classification Sherloc (09022015). Collection method: clinical testing. Allele origin: germline.
Comment: In summary, the available evidence is currently insufficient to determine the role of this variant in disease. Therefore, it has been classified as a Variant of Uncertain Significance. Advanced modeling of protein sequence and biophysical properties (such as structural, functional, and spatial information, amino acid conservation, physicochemical variation, residue mobility, and thermodynamic stability) has been performed at Invitae for this missense variant, however the output from this modeling did not meet the statistical confidence thresholds required to predict the impact of this variant on PDE6B protein function. This sequence change replaces leucine, which is neutral and non-polar, with proline, which is neutral and non-polar, at codon 800 of the PDE6B protein (p.Leu800Pro). This variant is not present in population databases (gnomAD no frequency). This missense change has been observed in individual(s) with retinitis pigmentosa (PMID: 24154662).

Literature cited by the submitters: PubMed 24154662 (cited by Labcorp Genetics (formerly Invitae), Labcorp).

NM_000283.4(PDE6B):c.2399T>C (p.Leu800Pro)

Gene: PDE6B (phosphodiesterase 6B; plus strand). Cytogenetic location: 4p16.3.
Variant type: single nucleotide variant.
Coding change: c.2399T>C on transcript NM_000283.4 (MANE Select); coding-DNA position 2399, T replaced by C.
Protein change: p.Leu800Pro; replaces leucine 800 with proline.
Molecular consequence: missense variant.
Genome position (GRCh38, 1-based): chr4:667,902, T>C. VCF-style: chr4-667902-T-C. GRCh37 (hg19) VCF-style: chr4-661691-T-C.
Other names: c.2399T>C, p.Leu800Pro (NM_001145291.2); c.1562T>C, p.Leu521Pro (NM_001145292.2, NM_001350154.3, NM_001379246.1 and 1 more transcripts); c.1244T>C, p.Leu415Pro (NM_001350155.3); short protein forms L521P, L415P, L800P.
Identifiers: ClinVar variation 2734631 (VCV002734631.3), dbSNP rs2474309172, ClinGen allele CA355920477.